The following is an entry in ClinVar:

ClinVar aggregate classification (germline): Uncertain significance (1 of 4 stars; one submission).

Conditions:
Ehlers-Danlos syndrome, spondylodysplastic type, 3. Also called: Ehlers-Danlos syndrome, spondylocheirodysplastic type. Identifiers: Orphanet 157965, MedGen C2676510, MONDO:0012873, OMIM 612350.

Submission:

Victorian Clinical Genetics Services, Murdoch Childrens Research Institute
Classification: Uncertain significance for Ehlers-Danlos syndrome, spondylodysplastic type, 3. Last evaluated: 2023-12-21. Review status: criteria provided, single submitter. Criteria: ACMG Guidelines, 2015. Collection method: clinical testing. Allele origin: germline. Inheritance: Autosomal recessive inheritance. Affected: yes.
Comment: Based on the classification scheme VCGS_Germline_v1.3.4, this variant is classified as VUS-3B. Following criteria are met: 0102 - Loss of function is a known mechanism of disease in this gene and is associated with Ehlers-Danlos syndrome, spondylodysplastic type, 3 (MIM#612350). (I) 0106 - This gene is associated with autosomal recessive disease. (I) 0216 - In-frame insertion/deletion in a non-repetitive region that has low conservation. (SP) 0252 - This variant is homozygous. (I) 0301 - Variant is absent from gnomAD (both v2 and v3). (SP) 0600 - Variant is located in the annotated ZIP zinc transporter domain (DECIPHER). (I) 0710 - A missense variant affecting one of the deleted amino acids has inconclusive previous evidence for pathogenicity. p.(Thr177Ile) has been classified as a VUS by a clinical laboratory in ClinVar. (I) 0807 - This variant has no previous evidence of pathogenicity. (I) 0905 - No published segregation evidence has been identified for this variant. (I) 1007 - No published functional evidence has been identified for this variant. (I) 1208 - Inheritance information for this variant is not currently available in this individual. (I) Legend: (SP) - Supporting pathogenic, (I) - Information, (SB) - Supporting benign

NM_001128225.3(SLC39A13):c.517_534del (p.Lys173_Ser178del)

Gene: SLC39A13 (solute carrier family 39 member 13; plus strand). Cytogenetic location: 11p11.2.
Variant type: Deletion.
Coding change: c.517_534del on transcript NM_001128225.3 (MANE Select); coding-DNA positions 517 to 534, 18 bases deleted (AAGGAGGAGGGGACCAGC).
Protein change: p.Lys173_Ser178del.
Molecular consequence: inframe deletion. On other transcripts: non-coding transcript variant (1).
Genome position (GRCh38, 1-based): chr11:47,412,447-47,412,464, AAGGAGGAGGGGACCAGC deleted; deleting any 18 consecutive bases within chr11:47,412,443-47,412,464 gives the same sequence; the c. name uses the placement nearest the transcript's 3' end. VCF-style (leftmost placement, unchanged base first): chr11-47412442-ACAGCAAGGAGGAGGGGAC-A. GRCh37 (hg19) VCF-style: chr11-47433993-ACAGCAAGGAGGAGGGGAC-A.
Other names: c.517_534del, p.Lys173_Ser178del (NM_001330245.2, NM_152264.5).
Identifiers: ClinVar variation 3255065 (VCV003255065.1), dbSNP rs2495971411.